The following is an entry in ClinVar:

ClinVar aggregate classification (germline): Likely benign. Review status: criteria provided, multiple submitters, no conflicts (2 of 4 stars). 2 submissions from 2 submitters: Likely benign (2). Last evaluated 2025-10-01.

Allele frequency attached by ClinVar (database versions not stated): gnomAD exomes below 0.00001; gnomAD 0.00002; TOPMed 0.00002.
gnomAD v4.1: 10 of 1,613,948 alleles (0.00062%); highest among the groups gnomAD compares: Non-Finnish European, 0.00085%; no homozygotes.

Submissions (2):

Labcorp Genetics (formerly Invitae), Labcorp
Classification: Likely benign. Last evaluated: 2025-10-01. Review status: criteria provided, single submitter. Criteria: Invitae Variant Classification Sherloc (09022015). Collection method: clinical testing. Allele origin: germline.

GeneDx
Classification: Likely benign. Last evaluated: 2016-11-17. Review status: criteria provided, single submitter. Criteria: GeneDx Variant Classification (06012015). Collection method: clinical testing. Allele origin: germline. Affected: yes.
Comment: This variant is considered likely benign or benign based on one or more of the following criteria: it is a conservative change, it occurs at a poorly conserved position in the protein, it is predicted to be benign by multiple in silico algorithms, and/or has population frequency not consistent with disease.

NM_001851.6(COL9A1):c.1905C>T (p.Ser635=)

Gene: COL9A1 (collagen type IX alpha 1 chain; minus strand). Cytogenetic location: 6q13.
Variant type: single nucleotide variant.
Coding change: c.1905C>T on transcript NM_001851.6 (MANE Select); coding-DNA position 1905, C replaced by T.
Protein change: p.Ser635=; no amino-acid change (serine 635 retained).
Molecular consequence: synonymous variant. On other transcripts: non-coding transcript variant (1).
Genome position (GRCh38, 1-based): chr6:70,242,683, G>A on the plus strand (C>T on the coding strand, the complement: COL9A1 is on the minus strand). VCF-style: chr6-70242683-G-A. GRCh37 (hg19) VCF-style: chr6-70952386-G-A.
Other names: c.1206C>T, p.Ser402= (NM_001377289.1); c.1176C>T, p.Ser392= (NM_001377290.1, NM_078485.4).
Identifiers: ClinVar variation 390969 (VCV000390969.5), dbSNP rs1057523934, ClinGen allele CA16605075.